The following is an entry in ClinVar:

ClinVar aggregate classification (germline): Uncertain significance (1 of 4 stars; one submission).

gnomAD v4.1: 3 of 1,606,424 alleles (0.00019%); highest among the groups gnomAD compares: South Asian, 0.0034%; no homozygotes.

Submission:

GeneDx
Classification: Uncertain significance. Last evaluated: 2025-04-18. Review status: criteria provided, single submitter. Criteria: GeneDx Variant Classification Process June 2021. Collection method: clinical testing. Allele origin: germline. Affected: yes.
Comment: Not observed at significant frequency in large population cohorts (gnomAD); Missense variant in a gene in which most reported pathogenic variants are truncating/loss-of-function; Has not been previously published as pathogenic or benign to our knowledge

NM_001267550.2(TTN):c.87133G>C (p.Asp29045His)

Genes: TTN (titin; minus strand), TTN-AS1 (TTN antisense RNA 1; plus strand). Cytogenetic location: 2q31.2.
Variant type: single nucleotide variant.
Coding change: c.87133G>C on transcript NM_001267550.2 (MANE Select); coding-DNA position 87133, G replaced by C.
Protein change: p.Asp29045His; replaces aspartic acid 29045 with histidine.
Molecular consequence: missense variant.
Genome position (GRCh38, 1-based): chr2:178,558,221, C>G on the plus strand (G>C on the coding strand, the complement: TTN is on the minus strand). VCF-style: chr2-178558221-C-G. GRCh37 (hg19) VCF-style: chr2-179422948-C-G.
Other names: c.82210G>C, p.Asp27404His (NM_001256850.1); c.59938G>C, p.Asp19980His (NM_003319.4); c.79429G>C, p.Asp26477His (NM_133378.4); c.60313G>C, p.Asp20105His (NM_133432.3); c.60514G>C, p.Asp20172His (NM_133437.4); short protein forms D19980H, D20105H, D20172H, D26477H, D27404H, D29045H.
Identifiers: ClinVar variation 4282417 (VCV004282417.1).